The following is an entry in ClinVar:

NM_001042492.3(NF1):c.8407C>A (p.Pro2803Thr)

Gene: NF1 (neurofibromin 1; plus strand). Cytogenetic location: 17q11.2.
Variant type: single nucleotide variant.
Coding change: c.8407C>A on transcript NM_001042492.3 (MANE Select); coding-DNA position 8407, C replaced by A.
Protein change: p.Pro2803Thr; replaces proline 2803 with threonine.
Molecular consequence: missense variant.
Genome position (GRCh38, 1-based): chr17:31,374,042, C>A. VCF-style: chr17-31374042-C-A. GRCh37 (hg19) VCF-style: chr17-29701060-C-A.
Other names: c.8344C>A, p.Pro2782Thr (NM_000267.4); short protein forms P2782T, P2803T.
Identifiers: ClinVar variation 237607 (VCV000237607.12), dbSNP rs779180729, ClinGen allele CA8487819.

ClinVar aggregate classification (germline): Uncertain significance. Review status: criteria provided, multiple submitters, no conflicts (2 of 4 stars). 4 submissions from 4 submitters: Uncertain significance (4). Last evaluated 2025-01-29.

Conditions:
Cardiovascular phenotype. Identifiers: MedGen CN230736.
Hereditary cancer-predisposing syndrome. Also called: Tumor predisposition; Hereditary Cancer Syndrome; Hereditary neoplastic syndrome; Neoplastic Syndromes, Hereditary. Identifiers: Orphanet 140162, MedGen C0027672, MeSH D009386, MONDO:0015356.
Hereditary breast ovarian cancer syndrome. Also called: Hereditary breast and ovarian cancer; Breast and ovarian cancer; BRCA1- and BRCA2-Associated Hereditary Breast and Ovarian Cancer; Hereditary breast and ovarian cancer syndrome; Hereditary breast and ovarian cancer syndrome (HBOC); Hereditary breast and/or ovarian cancer syndrome. Identifiers: Orphanet 145, MedGen C0677776, MeSH D061325, MONDO:0003582. Disease mechanism: loss of function.
Neurofibromatosis, type 1 (NF1). Also called: VON RECKLINGHAUSEN DISEASE; NEUROFIBROMATOSIS, TYPE I, SOMATIC; Peripheral type neurofibromatosis; Neurofibromatosis, type I. Identifiers: Orphanet 636, MedGen C0027831, MONDO:0018975, OMIM 162200. Disease mechanism: loss of function.

Allele frequency attached by ClinVar (database versions not stated): gnomAD exomes below 0.00001 and 0.00002; ExAC 0.00001.
gnomAD v4.1: 10 of 1,614,074 alleles (0.00062%); highest among the groups gnomAD compares: East Asian, 0.022%; 1 homozygote.

Submissions (4):

Labcorp Genetics (formerly Invitae), Labcorp
Classification: Uncertain significance for Neurofibromatosis, type 1. Last evaluated: 2025-01-29. Review status: criteria provided, single submitter. Criteria: Invitae Variant Classification Sherloc (09022015). Collection method: clinical testing. Allele origin: germline.
Comment: This sequence change replaces proline, which is neutral and non-polar, with threonine, which is neutral and polar, at codon 2782 of the NF1 protein (p.Pro2782Thr). This variant is present in population databases (rs779180729, gnomAD 0.006%). This missense change has been observed in individual(s) with breast cancer (PMID: 30287823). ClinVar contains an entry for this variant (Variation ID: 237607). Invitae Evidence Modeling of protein sequence and biophysical properties (such as structural, functional, and spatial information, amino acid conservation, physicochemical variation, residue mobility, and thermodynamic stability) has been performed for this missense variant. However, the output from this modeling did not meet the statistical confidence thresholds required to predict the impact of this variant on NF1 protein function. In summary, the available evidence is currently insufficient to determine the role of this variant in disease. Therefore, it has been classified as a Variant of Uncertain Significance.

Genome-Nilou Lab
Classification: Uncertain significance for Neurofibromatosis, type 1. Last evaluated: 2022-03-15. Review status: criteria provided, single submitter. Criteria: ACMG Guidelines, 2015. Collection method: clinical testing. Allele origin: germline. Affected: no.

Ambry Genetics
Classification: Uncertain significance for Cardiovascular phenotype; Hereditary cancer-predisposing syndrome. Last evaluated: 2021-10-15. Review status: criteria provided, single submitter. Criteria: Ambry Variant Classification Scheme 2023. Collection method: clinical testing. Allele origin: germline.
Comment: The p.P2782T variant (also known as c.8344C>A), located in coding exon 57 of the NF1 gene, results from a C to A substitution at nucleotide position 8344. The proline at codon 2782 is replaced by threonine, an amino acid with highly similar properties. This alteration has been reported with a carrier frequency of 0.00085 in 7051 unselected breast cancer patients and 0.00053 in 11241 female controls of Japanese ancestry (Momozawa Y et al. Nat Commun, 2018 10;9:4083). This amino acid position is highly conserved in available vertebrate species. In addition, this alteration is predicted to be tolerated by in silico analysis. Since supporting evidence is limited at this time, the clinical significance of this alteration remains unclear.

Cancer Genomics Group, Japanese Foundation For Cancer Research
Classification: Uncertain significance for Hereditary breast and ovarian cancer syndrome. Last evaluated: 2019-05-01. Review status: criteria provided, single submitter. Criteria: ACMG Guidelines, 2015. Collection method: research. Allele origin: germline. Affected: yes.

Literature cited by the submitters: PubMed 30287823 (cited by Labcorp Genetics (formerly Invitae), Labcorp).